The following is an entry in ClinVar:

ClinVar aggregate classification (germline): Uncertain significance (1 of 4 stars; one submission).

Conditions:
Leber congenital amaurosis 6 (LCA6). Identifiers: Orphanet 65, MedGen C1854260, MONDO:0013446, OMIM 613826.
Cone-rod dystrophy 13 (CORD13). Identifiers: Orphanet 1872, MedGen C2750720, MONDO:0011987, OMIM 608194.

Allele frequency attached by ClinVar (database versions not stated): gnomAD exomes 0.00001.
gnomAD v4.1: 6 of 1,612,964 alleles (0.00037%); highest among the groups gnomAD compares: East Asian, 0.013%; no homozygotes.

Submission:

Labcorp Genetics (formerly Invitae), Labcorp
Classification: Uncertain significance for Leber congenital amaurosis 6; Cone-rod dystrophy 13. Last evaluated: 2022-09-06. Review status: criteria provided, single submitter. Criteria: Invitae Variant Classification Sherloc (09022015). Collection method: clinical testing. Allele origin: germline.
Comment: In summary, the available evidence is currently insufficient to determine the role of this variant in disease. Therefore, it has been classified as a Variant of Uncertain Significance. Algorithms developed to predict the effect of missense changes on protein structure and function are either unavailable or do not agree on the potential impact of this missense change (SIFT: "Tolerated"; PolyPhen-2: "Possibly Damaging"; Align-GVGD: "Class C0"). ClinVar contains an entry for this variant (Variation ID: 1474354). This variant has not been reported in the literature in individuals affected with RPGRIP1-related conditions. This variant is not present in population databases (gnomAD no frequency). This sequence change replaces serine, which is neutral and polar, with arginine, which is basic and polar, at codon 337 of the RPGRIP1 protein (p.Ser337Arg).

NM_020366.4(RPGRIP1):c.1011C>G (p.Ser337Arg)

Gene: RPGRIP1 (RPGR interacting protein 1; plus strand). Cytogenetic location: 14q11.2.
Variant type: single nucleotide variant.
Coding change: c.1011C>G on transcript NM_020366.4 (MANE Select); coding-DNA position 1011, C replaced by G.
Protein change: p.Ser337Arg; replaces serine 337 with arginine.
Molecular consequence: missense variant.
Genome position (GRCh38, 1-based): chr14:21,311,904, C>G. VCF-style: chr14-21311904-C-G. GRCh37 (hg19) VCF-style: chr14-21780063-C-G.
Other names: short protein forms S337R.
Identifiers: ClinVar variation 1474354 (VCV001474354.8), dbSNP rs2139175426, ClinGen allele CA388862299.
Genomic context (GRCh38, chr14:21,311,904, plus strand): 5'-AGCCCATGAGGCCCTCCTCAAGCAAGTGAATGAGCTCAGGGCAGAGCTGAAGGAAGAAAG[C>G]AAGAAGGCTGTGAGCTTGAAGAGCCAACTGGAAGATGTGTCTATCTTGCAGATGACTCTG-3'
Protein context (NP_065099.3, residues 327-347): NELRAELKEE[Ser337Arg]KKAVSLKSQL